The following is an entry in ClinVar:

ClinVar aggregate classification (germline): Likely benign. Review status: criteria provided, multiple submitters, no conflicts (2 of 4 stars). 4 submissions from 4 submitters: Likely benign (4). Last evaluated 2026-02-25.

Conditions:
Cohen syndrome (COH1). Also called: Cutis verticis gyrata, retinitis pigmentosa, and sensorineural deafness; PEPPER SYNDROME. Identifiers: Orphanet 193, MedGen C0265223, MONDO:0008999, OMIM 216550.
VPS13B-related disorder. Also called: VPS13B-related condition.

Allele frequency attached by ClinVar (database versions not stated): ExAC 0.00001; gnomAD 0.00001; gnomAD exomes 0.00001; TOPMed 0.00002.
gnomAD v4.1: 46 of 1,613,976 alleles (0.0029%); highest among the groups gnomAD compares: Non-Finnish European, 0.0039%; no homozygotes.

Submissions (4):

PreventionGenetics, part of Exact Sciences
Classification: Likely benign for VPS13B-related condition. Last evaluated: 2026-02-25. Review status: criteria provided, single submitter. Criteria: ACMG Guidelines, 2015. Collection method: clinical testing. Allele origin: germline.
Comment: This variant is classified as likely benign based on ACMG/AMP sequence variant interpretation guidelines (Richards et al. 2015 PMID: 25741868, with internal and published modifications).

Labcorp Genetics (formerly Invitae), Labcorp
Classification: Likely benign for Cohen syndrome. Last evaluated: 2024-10-16. Review status: criteria provided, single submitter. Criteria: Invitae Variant Classification Sherloc (09022015). Collection method: clinical testing. Allele origin: germline.

Blueprint Genetics
Classification: Likely benign. Last evaluated: 2023-03-10. Review status: criteria provided, single submitter. Criteria: ACMG Guidelines, 2015. Collection method: clinical testing. Allele origin: germline.

Breakthrough Genomics
Classification: Likely benign. Review status: criteria provided, single submitter. Criteria: ACMG Guidelines, 2015. Collection method: not provided. Allele origin: germline. Inheritance: Autosomal recessive inheritance. Affected: yes.

NM_152564.5(VPS13B):c.2516-5A>T

Gene: VPS13B (vacuolar protein sorting 13 homolog B; plus strand). Cytogenetic location: 8q22.2.
Variant type: single nucleotide variant.
Coding change: c.2516-5A>T on transcript NM_152564.5 (MANE Select); 5 bases into the intron before coding-DNA position 2516, A replaced by T.
Molecular consequence: intron variant.
Genome position (GRCh38, 1-based): chr8:99,274,193, A>T. VCF-style: chr8-99274193-A-T. GRCh37 (hg19) VCF-style: chr8-100286421-A-T.
Other names: c.2516-5A>T (NM_152564.4, NM_017890.5).
Identifiers: ClinVar variation 1082539 (VCV001082539.12), dbSNP rs756282496, ClinGen allele CA4822947.